The following is an entry in ClinVar:

NM_005562.3(LAMC2):c.1422G>A (p.Pro474=)

Gene: LAMC2 (laminin subunit gamma 2; plus strand). Cytogenetic location: 1q25.3.
Variant type: single nucleotide variant.
Coding change: c.1422G>A on transcript NM_005562.3 (MANE Select); coding-DNA position 1422, G replaced by A.
Protein change: p.Pro474=; no amino-acid change (proline 474 retained).
Molecular consequence: synonymous variant.
Genome position (GRCh38, 1-based): chr1:183,227,651, G>A. VCF-style: chr1-183227651-G-A. GRCh37 (hg19) VCF-style: chr1-183196786-G-A.
Other names: c.1422G>A, p.Pro474= (NM_018891.3).
Identifiers: ClinVar variation 763595 (VCV000763595.38), dbSNP rs148065050, ClinGen allele CA1282612.
Genomic context (GRCh38, chr1:183,227,651, plus strand): 5'-CGACCCCCGCAGCTGCAAGCCATGTCCCTGTCATAACGGGTTCAGCTGCTCAGTGATGCC[G>A]GAGACGGAGGAGGTGGTGTGCAATAACTGCCCTCCCGGGGTCACCGGTAAGGCCATGGGT-3'
Protein context (NP_005553.2, residues 464-484): CHNGFSCSVM[Pro474=]ETEEVVCNNC

ClinVar aggregate classification (germline): Conflicting classifications of pathogenicity. Review status: criteria provided, conflicting classifications (1 of 4 stars). 3 submissions from 3 submitters: Uncertain significance (1); Benign (1); Likely benign (1). Last evaluated 2026-01-20.

Conditions:
Junctional epidermolysis bullosa. Identifiers: Orphanet 305, MedGen C0079301, MONDO:0017612.

Allele frequency attached by ClinVar (database versions not stated): ExAC 0.00015; gnomAD 0.00015 and 0.00016; TOPMed 0.00016; gnomAD exomes 0.00019; ESP Exome Variant Server 0.00023.
gnomAD v4.1: 207 of 1,614,090 alleles (0.013%); highest among the groups gnomAD compares: Middle Eastern, 0.082%; 1 homozygote.

Submissions (3):

Labcorp Genetics (formerly Invitae), Labcorp
Classification: Benign. Last evaluated: 2026-01-20. Review status: criteria provided, single submitter. Criteria: Invitae Variant Classification Sherloc (09022015). Collection method: clinical testing. Allele origin: germline.

CeGaT Center for Human Genetics Tuebingen
Classification: Likely benign. Last evaluated: 2023-01-01. Review status: criteria provided, single submitter. Criteria: CeGaT Center For Human Genetics Tuebingen Variant Classification Criteria Version 2. Collection method: clinical testing. Allele origin: germline. Affected: yes. Observed: 1 variant allele.
Comment: LAMC2: BP4, BP7

Illumina Laboratory Services, Illumina
Classification: Uncertain significance for Junctional epidermolysis bullosa. Last evaluated: 2018-01-12. Review status: criteria provided, single submitter. Criteria: ICSL Variant Classification Criteria 13 December 2019. Collection method: clinical testing. Allele origin: germline.